The following is an entry in ClinVar:

ClinVar aggregate classification (germline): Uncertain significance (1 of 4 stars; one submission).

Conditions:
Epileptic encephalopathy. Identifiers: MedGen C0543888, HP:0200134.

Allele frequency attached by ClinVar (database versions not stated): gnomAD exomes 0.00001; gnomAD 0.00001; TOPMed 0.00001.
gnomAD v4.1: 41 of 1,612,300 alleles (0.0025%); highest among the groups gnomAD compares: Non-Finnish European, 0.0034%; no homozygotes.

Submission:

Labcorp Genetics (formerly Invitae), Labcorp
Classification: Uncertain significance for Epileptic encephalopathy. Last evaluated: 2019-05-30. Review status: criteria provided, single submitter. Criteria: Invitae Variant Classification Sherloc (09022015). Collection method: clinical testing. Allele origin: germline.
Comment: This variant is not present in population databases (ExAC no frequency) and has not been reported in the literature in individuals with a FASN-related disease. This sequence change replaces leucine with methionine at codon 771 of the FASN protein (p.Leu771Met). The leucine residue is highly conserved and there is a small physicochemical difference between leucine and methionine. Algorithms developed to predict the effect of missense changes on protein structure and function do not agree on the potential impact of this missense change (SIFT: "Deleterious"; PolyPhen-2: "Probably Damaging"; Align-GVGD: "Class C0"). In summary, this variant is a novel missense change with uncertain impact on protein function. It has been classified as a Variant of Uncertain Significance.

NM_004104.5(FASN):c.2311C>A (p.Leu771Met)

Gene: FASN (fatty acid synthase; minus strand). Cytogenetic location: 17q25.3.
Variant type: single nucleotide variant.
Coding change: c.2311C>A on transcript NM_004104.5 (MANE Select); coding-DNA position 2311, C replaced by A.
Protein change: p.Leu771Met; replaces leucine 771 with methionine.
Molecular consequence: missense variant.
Genome position (GRCh38, 1-based): chr17:82,088,870, G>T on the plus strand (C>A on the coding strand, the complement: FASN is on the minus strand). VCF-style: chr17-82088870-G-T. GRCh37 (hg19) VCF-style: chr17-80046746-G-T.
Other names: short protein forms L771M.
Identifiers: ClinVar variation 462021 (VCV000462021.10), dbSNP rs202206277, ClinGen allele CA295134453.